The following is an entry in ClinVar:

NM_000089.4(COL1A2):c.3305G>C (p.Gly1102Ala)

Gene: COL1A2 (collagen type I alpha 2 chain; plus strand). Cytogenetic location: 7q21.3.
Variant type: single nucleotide variant.
Coding change: c.3305G>C on transcript NM_000089.4 (MANE Select); coding-DNA position 3305, G replaced by C.
Protein change: p.Gly1102Ala; replaces glycine 1102 with alanine.
Molecular consequence: missense variant.
Genome position (GRCh38, 1-based): chr7:94,427,664, G>C. VCF-style: chr7-94427664-G-C. GRCh37 (hg19) VCF-style: chr7-94056976-G-C.
Other names: short protein forms G1102A.
Identifiers: ClinVar variation 975940 (VCV000975940.3), dbSNP rs68063264, ClinGen allele CA368225688.

ClinVar aggregate classification (germline): Pathogenic/Likely pathogenic. Review status: criteria provided, multiple submitters, no conflicts (2 of 4 stars). 2 submissions from 2 submitters: Pathogenic (1); Likely pathogenic (1). Last evaluated 2019-03-25.

Conditions:
Osteogenesis imperfecta with normal sclerae, dominant form (OI4). Also called: Common Variable Osteogenesis Imperfecta with Normal Sclerae; OSTEOGENESIS IMPERFECTA, TYPE IV, WITH DENTINOGENESIS IMPERFECTA; Osteogenesis imperfecta type 4; OSTEOGENESIS IMPERFECTA WITH NORMAL SCLERAE; Osteogenesis Imperfecta Type IV. Identifiers: Orphanet 216820, Orphanet 666, MedGen C0268363, MONDO:0008148, OMIM 166220.
Cardiovascular phenotype. Identifiers: MedGen CN230736.

Submissions (2):

Ambry Genetics
Classification: Likely pathogenic for Cardiovascular phenotype. Last evaluated: 2019-03-25. Review status: criteria provided, single submitter. Criteria: Ambry Variant Classification Scheme 2023. Collection method: clinical testing. Allele origin: germline.
Comment: The p.G1102A variant (also known as c.3305G>C), located in coding exon 49 of the COL1A2 gene, results from a G to C substitution at nucleotide position 3305. The glycine at codon 1102 is replaced by alanine, an amino acid with similar properties. The majority of pathogenic mutations identified to date in COL1A2 have involved the substitution of another amino acid for glycine within the triple-helical domain (Dagleish R. Nucleic Acids Res. 1997 Jan 1;25(1):181-7; Marini JC et al. Hum Mutat. 2007 Mar;28(3):209-21; Bardai G et al. Osteoporos Int 2016 Dec;27(12):3607-3613). This particular glycine substitution has been reported to segregate with osteogenesis imperfecta (OI) in a large Chinese family (Xu Z et al. J Genet Genomics, 2011 Apr;38:149-56). Internal structural analysis indicates that this alteration disrupts the characteristic G-X-Y motif in the COL1A2 protein and inserts a bulky side chain into a sterically-constrained region (Bella J et al. Science. 1994;266:75-81; Hohenester E et al. Proc. Natl. Acad. Sci. U.S.A. 2008;105:18273-7; Ambry internal data). Several alterations in the same codon, including p.G1102V, p.G1102R, p.G1102S, p.G1102D, and p.G1102V, have also been associated with OI (Westrup RJ et al. J Biol Chem. 1988 Jun 5;263(16):7734-40; Hartikka H et al. Hum Mutat. 2004 Aug;24(2):147-54; Marini JC et al. Hum Mutat. 2007 Mar;28(3):209-21; Lindahl K et al. Eur J Hum Genet. 2015 Aug;23(8):1112). This amino acid position is highly conserved in available vertebrate species. In addition, this alteration is predicted to be deleterious by in silico analysis. Based on the majority of available evidence to date, this variant is likely to be pathogenic.

Institute of Human Genetics, University of Leipzig Medical Center
Classification: Pathogenic for Osteogenesis imperfecta with normal sclerae, dominant form. Last evaluated: 2017-04-11. Review status: criteria provided, single submitter. Criteria: ACMG Guidelines, 2015. Collection method: clinical testing. Allele origin: germline. Affected: yes. Observed: 1 variant allele.

Literature cited by the submitters: PubMed 21530898 (cited by Ambry Genetics).